The following is an entry in ClinVar:

NM_138459.5(NUS1):c.318C>T (p.Thr106=)

Gene: NUS1 (NUS1 dehydrodolichyl diphosphate synthase subunit; plus strand). Cytogenetic location: 6q22.1.
Variant type: single nucleotide variant.
Coding change: c.318C>T on transcript NM_138459.5 (MANE Select); coding-DNA position 318, C replaced by T.
Protein change: p.Thr106=; no amino-acid change (threonine 106 retained).
Molecular consequence: synonymous variant.
Genome position (GRCh38, 1-based): chr6:117,675,988, C>T. VCF-style: chr6-117675988-C-T. GRCh37 (hg19) VCF-style: chr6-117997151-C-T.
Identifiers: ClinVar variation 726091 (VCV000726091.35), dbSNP rs573584810, ClinGen allele CA3977086.

ClinVar aggregate classification (germline): Likely benign. Review status: criteria provided, multiple submitters, no conflicts (2 of 4 stars). 5 submissions from 5 submitters: Likely benign (4). 1 of the submissions does not count toward it. Last evaluated 2026-07-01.

Conditions:
NUS1-related disorder. Also called: NUS1-related condition; NUS1-Related Disorders. Identifiers: MedGen CN382504, MONDO:1060287.
Congenital disorder of glycosylation, type Iaa. Also called: Congenital disorder of glycosylation, type 1aa. Identifiers: MedGen C4310727, MONDO:0014904, OMIM 617082.

Allele frequency attached by ClinVar (database versions not stated): gnomAD 0.00015 and 0.00011; TOPMed 0.00016; gnomAD exomes 0.00025 and 0.00039; 1000 Genomes Project 30x 0.00031; 1000 Genomes Project 0.00040; ExAC 0.00075.
gnomAD v4.1: 372 of 1,549,490 alleles (0.024%); highest among the groups gnomAD compares: South Asian, 0.19%; 3 homozygotes.

Submissions (5):

CeGaT Center for Human Genetics Tuebingen
Classification: Likely benign. Last evaluated: 2026-07-01. Review status: criteria provided, single submitter. Criteria: CeGaT Center For Human Genetics Tuebingen Variant Classification Criteria Version 2. Collection method: clinical testing. Allele origin: germline. Affected: yes. Observed: 5 variant alleles.
Comment: NUS1: BP4, BP7

Labcorp Genetics (formerly Invitae), Labcorp
Classification: Likely benign for Congenital disorder of glycosylation, type Iaa. Last evaluated: 2025-12-25. Review status: criteria provided, single submitter. Criteria: Invitae Variant Classification Sherloc (09022015). Collection method: clinical testing. Allele origin: germline.

Blueprint Genetics
Classification: Likely benign. Last evaluated: 2024-11-13. Review status: criteria provided, single submitter. Criteria: ACMG Guidelines, 2015. Collection method: clinical testing. Allele origin: germline.

Breakthrough Genomics
Classification: Likely benign. Review status: criteria provided, single submitter. Criteria: ACMG Guidelines, 2015. Collection method: not provided. Allele origin: germline. Inheritance: Autosomal recessive inheritance. Affected: yes.

PreventionGenetics, part of Exact Sciences
Classification: Likely benign for NUS1-related condition. Last evaluated: 2019-08-27. Review status: no assertion criteria provided. Collection method: clinical testing. Allele origin: germline. Not counted in ClinVar's aggregate classification.
Comment: This variant is classified as likely benign based on ACMG/AMP sequence variant interpretation guidelines (Richards et al. 2015 PMID: 25741868, with internal and published modifications).